The following is an entry in ClinVar:

ClinVar aggregate classification (germline): Uncertain significance. Review status: criteria provided, multiple submitters, no conflicts (2 of 4 stars). 4 submissions from 4 submitters: Uncertain significance (4). Last evaluated 2024-02-25.

Conditions:
Hereditary cancer-predisposing syndrome. Also called: Neoplastic Syndromes, Hereditary; Hereditary Cancer Syndrome; Tumor predisposition; Hereditary neoplastic syndrome. Identifiers: Orphanet 140162, MedGen C0027672, MeSH D009386, MONDO:0015356.
Melanoma, cutaneous malignant, susceptibility to, 1 (CMM1). Also called: MELANOMA, MALIGNANT; DYSPLASTIC NEVUS SYNDROME, HEREDITARY; FAMILIAL ATYPICAL MOLE-MALIGNANT MELANOMA SYNDROME; B-K MOLE SYNDROME. Identifiers: Orphanet 618, MedGen C1835047, MONDO:0007963, OMIM 155600.

Allele frequency attached by ClinVar (database versions not stated): gnomAD exomes below 0.00001.
gnomAD v4.1: 1 of 1,612,936 alleles (0.000062%); highest among the groups gnomAD compares: Non-Finnish European, 0.000085%; no homozygotes.

Submissions (4):

Baylor Genetics
Classification: Uncertain significance for Melanoma, cutaneous malignant, susceptibility to, 1. Last evaluated: 2024-02-25. Review status: criteria provided, single submitter. Criteria: ACMG Guidelines, 2015. Collection method: clinical testing. Allele origin: unknown.

Blueprint Genetics
Classification: Uncertain significance. Last evaluated: 2024-02-22. Review status: criteria provided, single submitter. Criteria: ACMG Guidelines, 2015. Collection method: clinical testing. Allele origin: germline.

Color Diagnostics, LLC DBA Color Health
Classification: Uncertain significance for Hereditary cancer-predisposing syndrome. Last evaluated: 2024-01-17. Review status: criteria provided, single submitter. Criteria: ACMG Guidelines, 2015. Collection method: clinical testing. Allele origin: germline.
Comment: This missense variant replaces isoleucine with valine at codon 79 of the STK11 protein. Computational prediction suggests that this variant may not impact protein structure and function (internally defined REVEL score threshold <= 0.5, PMID: 27666373). To our knowledge, functional studies have not been reported for this variant. This variant has not been reported in individuals affected with STK11-related disorders in the literature. This variant has not been identified in the general population by the Genome Aggregation Database (gnomAD). The available evidence is insufficient to determine the role of this variant in disease conclusively. Therefore, this variant is classified as a Variant of Uncertain Significance.

Quest Diagnostics Nichols Institute San Juan Capistrano
Classification: Uncertain significance. Last evaluated: 2023-04-03. Review status: criteria provided, single submitter. Criteria: Quest Diagnostics criteria. Collection method: clinical testing. Allele origin: unknown.
Comment: This variant has not been described in online databases. It also has not been reported in large, multi-ethnic general populations. In a large scale breast cancer association study, the variant was observed in a control individual and not among the breast cancer cases (PMID: 33471991 (2021), see also LOVD). Analysis of this variant using bioinformatics tools for the prediction of the effect of amino acid changes on protein structure and function yielded conflicting predictions that this variant is benign or damaging. Based on the available information, we are unable to determine the clinical significance of this variant.

Literature cited by the submitters: PubMed 33471991 (cited by Quest Diagnostics Nichols Institute San Juan Capistrano).

NM_000455.5(STK11):c.235A>G (p.Ile79Val)

Gene: STK11 (serine/threonine kinase 11; plus strand). Cytogenetic location: 19p13.3.
Variant type: single nucleotide variant.
Coding change: c.235A>G on transcript NM_000455.5 (MANE Select); coding-DNA position 235, A replaced by G.
Protein change: p.Ile79Val; replaces isoleucine 79 with valine.
Molecular consequence: missense variant. On other transcripts: non-coding transcript variant (1).
Genome position (GRCh38, 1-based): chr19:1,207,148, A>G. VCF-style: chr19-1207148-A-G. GRCh37 (hg19) VCF-style: chr19-1207147-A-G.
Other names: c.235A>G, p.Ile79Val (NM_001407255.1); short protein forms I79V.
Identifiers: ClinVar variation 2682086 (VCV002682086.4), dbSNP rs2512921627, ClinGen allele CA402944444.
Genomic context (GRCh38, chr19:1,207,148, plus strand): 5'-TCTTACGGCAAGGTGAAGGAGGTGCTGGACTCGGAGACGCTGTGCAGGAGGGCCGTCAAG[A>G]TCCTCAAGAAGAAGAAGTTGCGAAGGATCCCCAACGGGGAGGCCAACGTGAAGAAGTAAG-3'
Protein context (NP_000446.1, residues 69-89): SETLCRRAVK[Ile79Val]LKKKKLRRIP